The following is an entry in ClinVar:

ClinVar aggregate classification (germline): Uncertain significance (1 of 4 stars; one submission).

Conditions:
Inborn genetic diseases. Identifiers: MedGen C0950123, MeSH D030342.

Submission:

Ambry Genetics
Classification: Uncertain significance for Inborn genetic diseases. Last evaluated: 2021-07-23. Review status: criteria provided, single submitter. Criteria: Ambry Variant Classification Scheme 2023. Collection method: clinical testing. Allele origin: germline.
Comment: The p.K119R variant (also known as c.356A>G), located in coding exon 3 of the DST gene, results from an A to G substitution at nucleotide position 356. The lysine at codon 119 is replaced by arginine, an amino acid with highly similar properties. This amino acid position is well conserved in available vertebrate species; however, arginine is the reference amino acid in other vertebrate species. In addition, the in silico prediction for this alteration is inconclusive. Since supporting evidence is limited at this time, the clinical significance of this alteration remains unclear.

NM_001374736.1(DST):c.356A>G (p.Lys119Arg)

Gene: DST (dystonin; minus strand). Cytogenetic location: 6p12.1.
Variant type: single nucleotide variant.
Coding change: c.356A>G on transcript NM_001374736.1 (MANE Select); coding-DNA position 356, A replaced by G.
Protein change: p.Lys119Arg; replaces lysine 119 with arginine.
Molecular consequence: missense variant.
Genome position (GRCh38, 1-based): chr6:56,900,482, T>C on the plus strand (A>G on the coding strand, the complement: DST is on the minus strand). VCF-style: chr6-56900482-T-C. GRCh37 (hg19) VCF-style: chr6-56765280-T-C.
Other names: c.356A>G, p.Lys119Arg (NM_001144769.5, NM_001374722.1); c.383A>G, p.Lys128Arg (NM_001374734.1); short protein forms K119R, K128R.
Identifiers: ClinVar variation 1732772 (VCV001732772.2), dbSNP rs2534180642, ClinGen allele CA364619337.